The following is an entry in ClinVar:

ClinVar aggregate classification (germline): Benign (1 of 4 stars; one submission).

Allele frequency attached by ClinVar (database versions not stated): 1000 Genomes Project 30x 0.00390; 1000 Genomes Project 0.00399; TOPMed 0.00825; ESP Exome Variant Server 0.00846; gnomAD 0.00897; ExAC 0.00974.
gnomAD v4.1: 21,243 of 1,613,488 alleles (1.3%); highest among the groups gnomAD compares: Non-Finnish European, 1.6%; 172 homozygotes.

Submission:

CeGaT Center for Human Genetics Tuebingen
Classification: Benign. Last evaluated: 2022-10-01. Review status: criteria provided, single submitter. Criteria: CeGaT Center For Human Genetics Tuebingen Variant Classification Criteria Version 2. Collection method: clinical testing. Allele origin: germline. Affected: yes. Observed: 1 variant allele.
Comment: EDEM3: BS1, BS2

NM_025191.4(EDEM3):c.575C>T (p.Pro192Leu)

Gene: EDEM3 (ER degradation enhancing alpha-mannosidase like protein 3; minus strand). Cytogenetic location: 1q25.3.
Variant type: single nucleotide variant.
Coding change: c.575C>T on transcript NM_025191.4 (MANE Select); coding-DNA position 575, C replaced by T.
Protein change: p.Pro192Leu; replaces proline 192 with leucine.
Molecular consequence: missense variant. On other transcripts: non-coding transcript variant (1).
Genome position (GRCh38, 1-based): chr1:184,732,874, G>A on the plus strand (C>T on the coding strand, the complement: EDEM3 is on the minus strand). VCF-style: chr1-184732874-G-A. GRCh37 (hg19) VCF-style: chr1-184702008-G-A.
Other names: c.575C>T, p.Pro192Leu (NM_001319960.2); short protein forms P192L.
Identifiers: ClinVar variation 2639635 (VCV002639635.24), dbSNP rs41264582, ClinGen allele CA1287632.